The following is an entry in ClinVar:

NM_021008.4(DEAF1):c.700T>A (p.Trp234Arg)

Gene: DEAF1 (DEAF1 transcription factor; minus strand). Cytogenetic location: 11p15.5.
Variant type: single nucleotide variant.
Coding change: c.700T>A on transcript NM_021008.4 (MANE Select); coding-DNA position 700, T replaced by A.
Protein change: p.Trp234Arg; replaces tryptophan 234 with arginine.
Molecular consequence: missense variant. On other transcripts: intron variant (1), 5 prime UTR variant (4).
Genome position (GRCh38, 1-based): chr11:686,962, A>T on the plus strand (T>A on the coding strand, the complement: DEAF1 is on the minus strand). VCF-style: chr11-686962-A-T. GRCh37 (hg19) VCF-style: chr11-686962-A-T.
Other names: c.664+949T>A (NM_001293634.2); c.-27T>A (NM_001367390.1, NM_001440885.1, NM_001440886.1 and 1 more transcripts); c.700T>A, p.Trp234Arg (NM_001440883.1, NM_001440884.1); short protein forms W234R.
Identifiers: ClinVar variation 437398 (VCV000437398.3), dbSNP rs1057524157, ClinGen allele CA378932679.

ClinVar aggregate classification (germline): Likely pathogenic. Review status: criteria provided, single submitter (1 of 4 stars). 2 submissions from 2 submitters: Likely pathogenic (1). 1 of the submissions does not count toward it. Last evaluated 2017-08-17.

Conditions:
Intellectual disability, autosomal dominant 24 (VSVS). Also called: VULTO-VAN SILFHOUT-DE VRIES SYNDROME. Identifiers: MedGen C4014414, MONDO:0014357, OMIM 615828.

Submissions (2):

Baylor Genetics
Classification: Likely pathogenic for Intellectual disability, autosomal dominant 24. Last evaluated: 2017-08-17. Review status: criteria provided, single submitter. Criteria: ACMG Guidelines, 2015. Collection method: research. Allele origin: de novo. Inheritance: Autosomal dominant inheritance. Affected: yes.

OMIM
Classification: Pathogenic for VULTO-VAN SILFHOUT-DE VRIES SYNDROME. Last evaluated: 2020-06-01. Review status: no assertion criteria provided. Collection method: literature only. Allele origin: germline. Not counted in ClinVar's aggregate classification.

Literature cited by the submitters: PubMed 28940898 (cited by Baylor Genetics and OMIM); PubMed 28213671 (cited by Baylor Genetics and OMIM).